The following is an entry in ClinVar:

NM_004186.5(SEMA3F):c.1254G>A (p.Thr418=)

Gene: SEMA3F (semaphorin 3F; plus strand). Cytogenetic location: 3p21.31.
Variant type: single nucleotide variant.
Coding change: c.1254G>A on transcript NM_004186.5 (MANE Select); coding-DNA position 1254, G replaced by A.
Protein change: p.Thr418=; no amino-acid change (threonine 418 retained).
Molecular consequence: synonymous variant.
Genome position (GRCh38, 1-based): chr3:50,184,612, G>A. VCF-style: chr3-50184612-G-A. GRCh37 (hg19) VCF-style: chr3-50222045-G-A.
Other names: c.957G>A, p.Thr319= (NM_001318798.2); c.1161G>A, p.Thr387= (NM_001318800.2).
Identifiers: ClinVar variation 3357572 (VCV003357572.1).

ClinVar aggregate classification (germline): Likely benign (0 of 4 stars; one submission).

Conditions:
SEMA3F-related disorder. Also called: SEMA3F-related condition.

gnomAD v4.1: 12 of 1,613,638 alleles (0.00074%); highest among the groups gnomAD compares: African/African-American, 0.013%; no homozygotes.

Submission:

PreventionGenetics, part of Exact Sciences
Classification: Likely benign for SEMA3F-related condition. Last evaluated: 2022-05-17. Review status: no assertion criteria provided. Collection method: clinical testing. Allele origin: germline.
Comment: This variant is classified as likely benign based on ACMG/AMP sequence variant interpretation guidelines (Richards et al. 2015 PMID: 25741868, with internal and published modifications).